The following is an entry in ClinVar:

NM_000038.6(APC):c.3601T>C (p.Ser1201Pro)

Gene: APC (APC regulator of Wnt signaling pathway; plus strand). Cytogenetic location: 5q22.2.
Variant type: single nucleotide variant.
Coding change: c.3601T>C on transcript NM_000038.6 (MANE Select); coding-DNA position 3601, T replaced by C.
Protein change: p.Ser1201Pro; replaces serine 1201 with proline.
Molecular consequence: missense variant.
Genome position (GRCh38, 1-based): chr5:112,839,195, T>C. VCF-style: chr5-112839195-T-C. GRCh37 (hg19) VCF-style: chr5-112174892-T-C.
Other names: c.3601T>C, p.Ser1201Pro (NM_001127510.3, NM_001354895.2); c.3547T>C, p.Ser1183Pro (NM_001127511.3); c.3655T>C, p.Ser1219Pro (NM_001354896.2); c.3631T>C, p.Ser1211Pro (NM_001354897.2); c.3526T>C, p.Ser1176Pro (NM_001354898.2); c.3517T>C, p.Ser1173Pro (NM_001354899.2); c.3478T>C, p.Ser1160Pro (NM_001354900.2); c.3424T>C, p.Ser1142Pro (NM_001354901.2); and 5 more; short protein forms S1183P, S1201P, S1100P, S1176P, S1219P, S1041P, S1110P, S1173P.
Identifiers: ClinVar variation 489442 (VCV000489442.23), dbSNP rs1554085162, ClinGen allele CA16029245.

ClinVar aggregate classification (germline): Uncertain significance. Review status: criteria provided, multiple submitters, no conflicts (2 of 4 stars). 6 submissions from 6 submitters: Uncertain significance (6). Last evaluated 2026-01-01.

Conditions:
Familial adenomatous polyposis 1 (FAP1). Also called: FAMILIAL ADENOMATOUS POLYPOSIS 1, ATTENUATED; POLYPOSIS, ADENOMATOUS INTESTINAL. Identifiers: MedGen C2713442, MONDO:0021056, OMIM 175100. Disease mechanism: loss of function.
Hereditary cancer-predisposing syndrome. Also called: Hereditary neoplastic syndrome; Neoplastic Syndromes, Hereditary; Hereditary Cancer Syndrome; Tumor predisposition. Identifiers: Orphanet 140162, MedGen C0027672, MeSH D009386, MONDO:0015356.
Classic or attenuated familial adenomatous polyposis. Identifiers: MedGen CN372698, MONDO:0021057.

Allele frequency attached by ClinVar (database versions not stated): gnomAD exomes below 0.00001.

Submissions (6):

CeGaT Center for Human Genetics Tuebingen
Classification: Uncertain significance. Last evaluated: 2026-01-01. Review status: criteria provided, single submitter. Criteria: CeGaT Center For Human Genetics Tuebingen Variant Classification Criteria Version 2. Collection method: clinical testing. Allele origin: germline. Affected: yes. Observed: 1 variant allele.
Comment: APC: PM2:Supporting, BP4

Labcorp Genetics (formerly Invitae), Labcorp
Classification: Uncertain significance for Familial adenomatous polyposis 1. Last evaluated: 2025-10-23. Review status: criteria provided, single submitter. Criteria: Invitae Variant Classification Sherloc (09022015). Collection method: clinical testing. Allele origin: germline.
Comment: This sequence change replaces serine, which is neutral and polar, with proline, which is neutral and non-polar, at codon 1201 of the APC protein (p.Ser1201Pro). This variant is not present in population databases (gnomAD no frequency). This variant has not been reported in the literature in individuals affected with APC-related conditions. ClinVar contains an entry for this variant (Variation ID: 489442). Invitae Evidence Modeling of protein sequence and biophysical properties (such as structural, functional, and spatial information, amino acid conservation, physicochemical variation, residue mobility, and thermodynamic stability) indicates that this missense variant is not expected to disrupt APC protein function with a negative predictive value of 95%. In summary, the available evidence is currently insufficient to determine the role of this variant in disease. Therefore, it has been classified as a Variant of Uncertain Significance.

Ambry Genetics
Classification: Uncertain significance for Hereditary cancer-predisposing syndrome. Last evaluated: 2025-10-22. Review status: criteria provided, single submitter. Criteria: Ambry Variant Classification Scheme 2023. Collection method: clinical testing. Allele origin: germline.
Comment: The p.S1201P variant (also known as c.3601T>C), located in coding exon 15 of the APC gene, results from a T to C substitution at nucleotide position 3601. The serine at codon 1201 is replaced by proline, an amino acid with similar properties. This amino acid position is conserved. In addition, in silico predictors for this gene do not accurately predict pathogenicity. Since supporting evidence is limited at this time, the clinical significance of this alteration remains unclear.

All of Us Research Program, National Institutes of Health
Classification: Uncertain significance for Classic or attenuated familial adenomatous polyposis. Last evaluated: 2024-05-14. Review status: criteria provided, single submitter. Criteria: ACMG Guidelines, 2015. Collection method: clinical testing. Allele origin: germline. Inheritance: Autosomal dominant inheritance. Observed: 1 variant allele, 1 heterozygote.
Comment: This missense variant replaces serine with proline at codon 1201 of the APC protein. Computational prediction suggests that this variant may not impact protein structure and function (internally defined REVEL score threshold <= 0.5, PMID: 27666373). To our knowledge, functional studies have not been reported for this variant. This variant has not been reported in individuals affected with APC-related disorders in the literature. This variant has not been identified in the general population by the Genome Aggregation Database (gnomAD). The available evidence is insufficient to determine the role of this variant in disease conclusively. Therefore, this variant is classified as a Variant of Uncertain Significance.

This study involves interpretation of variants in research participants for the purpose of population health screening. Participant phenotype was not available at the time of variant classification. Additional details can be found in publication PMID: 35346344, PMCID: PMC8962531

Color Diagnostics, LLC DBA Color Health
Classification: Uncertain significance for Hereditary cancer-predisposing syndrome. Last evaluated: 2023-12-05. Review status: criteria provided, single submitter. Criteria: ACMG Guidelines, 2015. Collection method: clinical testing. Allele origin: germline.
Comment: This missense variant replaces serine with proline at codon 1201 of the APC protein. Computational prediction suggests that this variant may not impact protein structure and function (internally defined REVEL score threshold <= 0.5, PMID: 27666373). To our knowledge, functional studies have not been reported for this variant. This variant has not been reported in individuals affected with APC-related disorders in the literature. This variant has not been identified in the general population by the Genome Aggregation Database (gnomAD). The available evidence is insufficient to determine the role of this variant in disease conclusively. Therefore, this variant is classified as a Variant of Uncertain Significance.

Baylor Genetics
Classification: Uncertain significance for Familial adenomatous polyposis 1. Last evaluated: 2023-08-15. Review status: criteria provided, single submitter. Criteria: ACMG Guidelines, 2015. Collection method: clinical testing. Allele origin: unknown.